The following is an entry in ClinVar:

ClinVar aggregate classification (germline): Conflicting classifications of pathogenicity. Review status: criteria provided, conflicting classifications (1 of 4 stars). 2 submissions from 2 submitters: Uncertain significance (1); Likely benign (1). Last evaluated 2026-05-26.

Conditions:
Hereditary breast ovarian cancer syndrome. Also called: Hereditary breast and ovarian cancer syndrome; Hereditary breast and ovarian cancer syndrome (HBOC); BRCA1- and BRCA2-Associated Hereditary Breast and Ovarian Cancer; Hereditary breast and ovarian cancer; Breast and ovarian cancer; Hereditary breast and/or ovarian cancer syndrome. Identifiers: Orphanet 145, MedGen C0677776, MeSH D061325, MONDO:0003582. Disease mechanism: loss of function.
Inherited breast cancer and ovarian cancer.

Submissions (2):

Cambridge Genomics Laboratory, East Genomic Laboratory Hub, NHS Genomic Medicine Service
Classification: Likely benign for Inherited breast cancer and ovarian cancer. Last evaluated: 2026-05-26. Review status: criteria provided, single submitter. Criteria: ACGS Best Practice Guidelines for Variant Classification in Rare Disease 2020. Collection method: clinical testing. Allele origin: germline. Affected: yes.
Comment: PM2,BP1_Strong

Labcorp Genetics (formerly Invitae), Labcorp
Classification: Uncertain significance for Hereditary breast ovarian cancer syndrome. Last evaluated: 2023-08-23. Review status: criteria provided, single submitter. Criteria: Invitae Variant Classification Sherloc (09022015). Collection method: clinical testing. Allele origin: germline.
Comment: In summary, the available evidence is currently insufficient to determine the role of this variant in disease. Therefore, it has been classified as a Variant of Uncertain Significance. This variant is not present in population databases (gnomAD no frequency). This variant has not been reported in the literature in individuals affected with BRCA2-related conditions. ClinVar contains an entry for this variant (Variation ID: 653089). Advanced modeling of protein sequence and biophysical properties (such as structural, functional, and spatial information, amino acid conservation, physicochemical variation, residue mobility, and thermodynamic stability) performed at Invitae indicates that this missense variant is not expected to disrupt BRCA2 protein function. This sequence change replaces isoleucine, which is neutral and non-polar, with threonine, which is neutral and polar, at codon 2330 of the BRCA2 protein (p.Ile2330Thr).

NM_000059.4(BRCA2):c.6989T>C (p.Ile2330Thr)

Gene: BRCA2 (BRCA2 DNA repair associated; plus strand). Cytogenetic location: 13q13.1.
Variant type: single nucleotide variant.
Coding change: c.6989T>C on transcript NM_000059.4 (MANE Select); coding-DNA position 6989, T replaced by C.
Protein change: p.Ile2330Thr; replaces isoleucine 2330 with threonine.
Molecular consequence: missense variant.
Genome position (GRCh38, 1-based): chr13:32,346,878, T>C. VCF-style: chr13-32346878-T-C. GRCh37 (hg19) VCF-style: chr13-32921015-T-C.
Other names: short protein forms I2330T.
Identifiers: ClinVar variation 653089 (VCV000653089.12), dbSNP rs1593913315, ClinGen allele CA387793125.